The following is an entry in ClinVar:

NM_152641.4(ARID2):c.3244C>G (p.Pro1082Ala)

Gene: ARID2 (AT-rich interaction domain 2; plus strand). Cytogenetic location: 12q12.
Variant type: single nucleotide variant.
Coding change: c.3244C>G on transcript NM_152641.4 (MANE Select); coding-DNA position 3244, C replaced by G.
Protein change: p.Pro1082Ala; replaces proline 1082 with alanine.
Molecular consequence: missense variant.
Genome position (GRCh38, 1-based): chr12:45,851,367, C>G. VCF-style: chr12-45851367-C-G. GRCh37 (hg19) VCF-style: chr12-46245150-C-G.
Other names: c.3244C>G, p.Pro1082Ala (NM_001347839.2); short protein forms P1082A.
Identifiers: ClinVar variation 3054493 (VCV003054493.2), dbSNP rs1037003593, ClinGen allele CA384483857.

ClinVar aggregate classification (germline): Uncertain significance (0 of 4 stars; one submission).

Conditions:
ARID2-related disorder. Also called: ARID2-related condition.

Submission:

PreventionGenetics, part of Exact Sciences
Classification: Uncertain significance for ARID2-related condition. Last evaluated: 2023-11-05. Review status: no assertion criteria provided. Collection method: clinical testing. Allele origin: germline.
Comment: The ARID2 c.3244C>G variant is predicted to result in the amino acid substitution p.Pro1082Ala. To our knowledge, this variant has not been reported in the literature or in a large population database, indicating this variant is rare. At this time, the clinical significance of this variant is uncertain due to the absence of conclusive functional and genetic evidence.